The following is an entry in ClinVar:

ClinVar aggregate classification (germline): Likely benign. Review status: criteria provided, multiple submitters, no conflicts (2 of 4 stars). 4 submissions from 4 submitters: Likely benign (4). Last evaluated 2025-09-08.

Conditions:
RYR1-related disorder. Also called: RYR1-related condition; RYR1-related disorders. Identifiers: MedGen CN239331.
Malignant hyperthermia, susceptibility to, 1 (MHS1). Also called: Anesthesia related hyperthermia; Malignant hyperpyrexia; Fulminating hyperpyrexia; Pharmacogenic myopathy; RYR1-Related Malignant Hyperthermia Susceptibility; Malignant hyperthermia suceptibility 1. Identifiers: Orphanet 423, MedGen C2930980, MONDO:0007783, OMIM 145600.

Allele frequency attached by ClinVar (database versions not stated): TOPMed 0.00003; ExAC 0.00004; gnomAD exomes 0.00004 and 0.00007; gnomAD 0.00007 and 0.00010; ESP Exome Variant Server 0.00008; 1000 Genomes Project 0.00080.

Submissions (4):

Labcorp Genetics (formerly Invitae), Labcorp
Classification: Likely benign for RYR1-related disorder. Last evaluated: 2025-09-08. Review status: criteria provided, single submitter. Criteria: Invitae Variant Classification Sherloc (09022015). Collection method: clinical testing. Allele origin: germline.

All of Us Research Program, National Institutes of Health
Classification: Likely benign for Malignant hyperthermia, susceptibility to, 1. Last evaluated: 2024-09-23. Review status: criteria provided, single submitter. Criteria: ACMG Guidelines, 2015. Collection method: clinical testing. Allele origin: germline. Inheritance: Autosomal dominant inheritance. Observed: 14 variant alleles, 14 heterozygotes.
Comment: This study involves interpretation of variants in research participants for the purpose of population health screening. Participant phenotype was not available at the time of variant classification. Additional details can be found in publication PMID: 35346344, PMCID: PMC8962531

Color Diagnostics, LLC DBA Color Health
Classification: Likely benign for Malignant hyperthermia, susceptibility to, 1. Last evaluated: 2023-01-12. Review status: criteria provided, single submitter. Criteria: ACMG Guidelines, 2015. Collection method: clinical testing. Allele origin: germline.

GeneDx
Classification: Likely benign. Last evaluated: 2017-06-28. Review status: criteria provided, single submitter. Criteria: GeneDx Variant Classification (06012015). Collection method: clinical testing. Allele origin: germline. Affected: yes.
Comment: This variant is considered likely benign or benign based on one or more of the following criteria: it is a conservative change, it occurs at a poorly conserved position in the protein, it is predicted to be benign by multiple in silico algorithms, and/or has population frequency not consistent with disease.

NM_000540.3(RYR1):c.6892-11T>C

Gene: RYR1 (ryanodine receptor 1; plus strand). Cytogenetic location: 19q13.2.
Variant type: single nucleotide variant.
Coding change: c.6892-11T>C on transcript NM_000540.3 (MANE Select); 11 bases into the intron before coding-DNA position 6892, T replaced by C.
Molecular consequence: intron variant.
Genome position (GRCh38, 1-based): chr19:38,499,097, T>C. VCF-style: chr19-38499097-T-C. GRCh37 (hg19) VCF-style: chr19-38989737-T-C.
Other names: c.6892-11T>C (NM_001042723.2).
Identifiers: ClinVar variation 510498 (VCV000510498.8), dbSNP rs138843395, ClinGen allele CA068887.
Genomic context (GRCh38, chr19:38,499,097, plus strand): 5'-GGGCAGAGGGCTGAGCCCCAGGAGGAAGGTGGCATGGGTCTGGTCTCTGACTGAGCCCCT[T>C]CTGCCCCCAGGTTGTGTCCTACCTGGCAGGCTGTGGCCTCCAGAGCTGCCCCATGCTTGT-3'